The following is an entry in ClinVar:

NM_032119.4(ADGRV1):c.10422dup (p.Leu3475fs)

Gene: ADGRV1 (adhesion G protein-coupled receptor V1; plus strand). Cytogenetic location: 5q14.3.
Variant type: Duplication.
Coding change: c.10422dup on transcript NM_032119.4 (MANE Select); coding-DNA position 10422, one base duplicated (T; older notation c.10422dupT).
Protein change: p.Leu3475fs; shifts the reading frame from leucine 3475.
Molecular consequence: frameshift variant. On other transcripts: non-coding transcript variant (1).
Genome position (GRCh38, 1-based): chr5:90,728,929, T duplicated; the last of 3 consecutive T bases (chr5:90,728,927-90,728,929); duplicating any one gives the same sequence. VCF-style (leftmost placement, unchanged base first): chr5-90728926-C-CT. GRCh37 (hg19) VCF-style: chr5-90024743-C-CT.
Other names: short protein forms L3475fs.
Identifiers: ClinVar variation 2004446 (VCV002004446.4), dbSNP rs2531369305, ClinGen allele CA2580073749.

ClinVar aggregate classification (germline): Pathogenic (1 of 4 stars; one submission).

Submission:

Labcorp Genetics (formerly Invitae), Labcorp
Classification: Pathogenic. Last evaluated: 2025-09-02. Review status: criteria provided, single submitter. Criteria: Invitae Variant Classification Sherloc (09022015). Collection method: clinical testing. Allele origin: germline.
Comment: This sequence change creates a premature translational stop signal (p.Leu3475Serfs*8) in the ADGRV1 gene. It is expected to result in an absent or disrupted protein product. Loss-of-function variants in ADGRV1 are known to be pathogenic (PMID: 19357117, 22135276, 22147658, 26226137, 30718709, 31047384, 32467589). This variant is not present in population databases (gnomAD no frequency). This variant has not been reported in the literature in individuals affected with ADGRV1-related conditions. ClinVar contains an entry for this variant (Variation ID: 2004446). Algorithms developed to predict the effect of sequence changes on RNA splicing suggest that this variant may disrupt the consensus splice site. For these reasons, this variant has been classified as Pathogenic.

Literature cited by the submitters: PubMed 19357117; PubMed 22135276; PubMed 22147658; PubMed 26226137; PubMed 30718709; PubMed 31047384; PubMed 32467589.